The following is an entry in ClinVar:

NM_002098.6(GUCA1B):c.443G>A (p.Arg148Lys)

Gene: GUCA1B (guanylate cyclase activator 1B; minus strand). Cytogenetic location: 6p21.1.
Variant type: single nucleotide variant.
Coding change: c.443G>A on transcript NM_002098.6 (MANE Select); coding-DNA position 443, G replaced by A.
Protein change: p.Arg148Lys; replaces arginine 148 with lysine.
Molecular consequence: missense variant.
Genome position (GRCh38, 1-based): chr6:42,185,712, C>T on the plus strand (G>A on the coding strand, the complement: GUCA1B is on the minus strand). VCF-style: chr6-42185712-C-T. GRCh37 (hg19) VCF-style: chr6-42153450-C-T.
Other names: short protein forms R148K.
Identifiers: ClinVar variation 1960370 (VCV001960370.5), dbSNP rs755699242, ClinGen allele CA3805553.

ClinVar aggregate classification (germline): Uncertain significance (1 of 4 stars; one submission).

Allele frequency attached by ClinVar (database versions not stated): gnomAD exomes below 0.00001; TOPMed below 0.00001; ExAC 0.00001.

Submission:

Labcorp Genetics (formerly Invitae), Labcorp
Classification: Uncertain significance. Last evaluated: 2025-05-11. Review status: criteria provided, single submitter. Criteria: Invitae Variant Classification Sherloc (09022015). Collection method: clinical testing. Allele origin: germline.
Comment: This sequence change replaces arginine, which is basic and polar, with lysine, which is basic and polar, at codon 148 of the GUCA1B protein (p.Arg148Lys). This variant is present in population databases (rs755699242, gnomAD 0.0009%). This variant has not been reported in the literature in individuals affected with GUCA1B-related conditions. ClinVar contains an entry for this variant (Variation ID: 1960370). An algorithm developed to predict the effect of missense changes on protein structure and function outputs the following: PolyPhen-2: "Probably Damaging". The lysine amino acid residue is found in multiple mammalian species, which suggests that this missense change does not adversely affect protein function. In summary, the available evidence is currently insufficient to determine the role of this variant in disease. Therefore, it has been classified as a Variant of Uncertain Significance.